The following is an entry in ClinVar:

ClinVar aggregate classification (germline): Conflicting classifications of pathogenicity. Review status: criteria provided, conflicting classifications (1 of 4 stars). 2 submissions from 2 submitters: Uncertain significance (1); Likely benign (1). Last evaluated 2025-09-04.

Conditions:
Inborn genetic diseases. Identifiers: MedGen C0950123, MeSH D030342.

Allele frequency attached by ClinVar (database versions not stated): ExAC 0.00006.

Submissions (2):

Ambry Genetics
Classification: Likely benign for Inborn genetic diseases. Last evaluated: 2025-09-04. Review status: criteria provided, single submitter. Criteria: Ambry Variant Classification Scheme 2023. Collection method: clinical testing. Allele origin: germline.

Labcorp Genetics (formerly Invitae), Labcorp
Classification: Uncertain significance. Last evaluated: 2023-11-13. Review status: criteria provided, single submitter. Criteria: Invitae Variant Classification Sherloc (09022015). Collection method: clinical testing. Allele origin: germline.
Comment: This sequence change replaces glycine, which is neutral and non-polar, with serine, which is neutral and polar, at codon 205 of the MAFB protein (p.Gly205Ser). The frequency data for this variant in the population databases is considered unreliable, as metrics indicate poor data quality at this position in the gnomAD database. This variant has not been reported in the literature in individuals affected with MAFB-related conditions. Advanced modeling of protein sequence and biophysical properties (such as structural, functional, and spatial information, amino acid conservation, physicochemical variation, residue mobility, and thermodynamic stability) performed at Invitae indicates that this missense variant is not expected to disrupt MAFB protein function with a negative predictive value of 80%. In summary, the available evidence is currently insufficient to determine the role of this variant in disease. Therefore, it has been classified as a Variant of Uncertain Significance.

NM_005461.5(MAFB):c.613G>A (p.Gly205Ser)

Gene: MAFB (MAF bZIP transcription factor B; minus strand). Cytogenetic location: 20q12.
Variant type: single nucleotide variant.
Coding change: c.613G>A on transcript NM_005461.5 (MANE Select); coding-DNA position 613, G replaced by A.
Protein change: p.Gly205Ser; replaces glycine 205 with serine.
Molecular consequence: missense variant.
Genome position (GRCh38, 1-based): chr20:40,688,238, C>T on the plus strand (G>A on the coding strand, the complement: MAFB is on the minus strand). VCF-style: chr20-40688238-C-T. GRCh37 (hg19) VCF-style: chr20-39316878-C-T.
Other names: c.613G>A (NM_005461.3); short protein forms G205S.
Identifiers: ClinVar variation 2987252 (VCV002987252.4), dbSNP rs747066288, ClinGen allele CA9857764.